The following is an entry in ClinVar:

NM_024422.6(DSC2):c.-243_-234del

Genes: DSC2 (desmocollin 2; minus strand), DSCAS (DSC1/DSC2 antisense RNA; plus strand). Cytogenetic location: 18q12.1.
Variant type: Deletion.
Coding change: c.-243_-234del on transcript NM_024422.6 (MANE Select); 243 bases upstream of the start codon through 234 bases upstream of the start codon, 10 bases deleted (GGCCGATCGG; older notation c.-243_-234delGGCCGATCGG).
Molecular consequence: 5 prime UTR variant.
Genome position (GRCh38, 1-based): chr18:31,102,205-31,102,214, CCGATCGGCC deleted on the plus strand (GGCCGATCGG on the coding strand, the reverse complement: DSC2 is on the minus strand); deleting any 10 consecutive bases within chr18:31,102,205-31,102,216 gives the same sequence; the c. name uses the placement nearest the transcript's 3' end. VCF-style (leftmost placement, unchanged base first): chr18-31102204-ACCGATCGGCC-A. GRCh37 (hg19) VCF-style: chr18-28682167-ACCGATCGGCC-A.
Other names: c.-243_-234del (NM_004949.5).
Identifiers: ClinVar variation 177857 (VCV000177857.5), dbSNP rs552918051, ClinGen allele CA022726.
Genomic context (GRCh38, chr18:31,102,204, plus strand): 5'-CTCTCATCCAAGGGGCTTTTCCTTTGGCGGAGGGAGGGGCTCCAGACGCGTCCAAAAGAC[ACCGATCGGCC>A]CCTCCTTGTTGTCTATTTAAGACTTAAGACTTCATTTCTCTAAGAAAGCCACGGGTGGGA-3'

ClinVar aggregate classification (germline): Likely benign. Review status: criteria provided, single submitter (1 of 4 stars). 2 submissions from 2 submitters: Likely benign (1). 1 of the submissions does not count toward it. Last evaluated 2018-06-14.

Submissions (2):

GeneDx
Classification: Likely benign. Last evaluated: 2018-06-14. Review status: criteria provided, single submitter. Criteria: GeneDx Variant Classification (06012015). Collection method: clinical testing. Allele origin: germline. Affected: yes.
Comment: This variant is considered likely benign or benign based on one or more of the following criteria: it is a conservative change, it occurs at a poorly conserved position in the protein, it is predicted to be benign by multiple in silico algorithms, and/or has population frequency not consistent with disease.

Laboratory for Molecular Medicine, Mass General Brigham Personalized Medicine
No classification provided. Last evaluated: 2012-01-05. Review status: no classification provided. Collection method: clinical testing. Allele origin: germline. Observed: 11 variant alleles. Not counted in ClinVar's aggregate classification.
Comment: -243_-234delGGCCGATCGG in the 5'UTR of DSC2: This variant is located in the 5' untranslated region outside the region of interest (+/-15).